The following is an entry in ClinVar:

NM_000057.4(BLM):c.3037C>T (p.His1013Tyr)

Gene: BLM (BLM RecQ like helicase; plus strand). Cytogenetic location: 15q26.1.
Variant type: single nucleotide variant.
Coding change: c.3037C>T on transcript NM_000057.4 (MANE Select); coding-DNA position 3037, C replaced by T.
Protein change: p.His1013Tyr; replaces histidine 1013 with tyrosine.
Molecular consequence: missense variant.
Genome position (GRCh38, 1-based): chr15:90,794,184, C>T. VCF-style: chr15-90794184-C-T. GRCh37 (hg19) VCF-style: chr15-91337414-C-T.
Other names: c.3037C>T, p.His1013Tyr (NM_001287246.2, NM_001287247.2); c.1912C>T, p.His638Tyr (NM_001287248.2); short protein forms H638Y, H1013Y.
Identifiers: ClinVar variation 4742583 (VCV004742583.1).

ClinVar aggregate classification (germline): Uncertain significance (1 of 4 stars; one submission).

Conditions:
Bloom syndrome (BLM). Also called: Bloom-Torre-Machacek syndrome. Identifiers: Orphanet 125, MedGen C0005859, MONDO:0008876, OMIM 210900.

Submission:

Labcorp Genetics (formerly Invitae), Labcorp
Classification: Uncertain significance for Bloom syndrome. Last evaluated: 2025-06-30. Review status: criteria provided, single submitter. Criteria: Invitae Variant Classification Sherloc (09022015). Collection method: clinical testing. Allele origin: germline.
Comment: This sequence change replaces histidine, which is basic and polar, with tyrosine, which is neutral and polar, at codon 1013 of the BLM protein (p.His1013Tyr). This variant is not present in population databases (gnomAD no frequency). This variant has not been reported in the literature in individuals affected with BLM-related conditions. Invitae Evidence Modeling of protein sequence and biophysical properties (such as structural, functional, and spatial information, amino acid conservation, physicochemical variation, residue mobility, and thermodynamic stability) indicates that this missense variant is not expected to disrupt BLM protein function with a negative predictive value of 80%. In summary, the available evidence is currently insufficient to determine the role of this variant in disease. Therefore, it has been classified as a Variant of Uncertain Significance.